The following is an entry in ClinVar:

NM_000051.4(ATM):c.8851-1G>C

Genes: ATM (ATM serine/threonine kinase; plus strand), C11orf65 (chromosome 11 open reading frame 65; minus strand). Cytogenetic location: 11q22.3.
Variant type: single nucleotide variant.
Coding change: c.8851-1G>C on transcript NM_000051.4 (MANE Select); the canonical splice acceptor site of the intron before coding-DNA position 8851, G replaced by C.
Molecular consequence: splice acceptor variant. On other transcripts: intron variant (2).
Genome position (GRCh38, 1-based): chr11:108,365,081, G>C. VCF-style: chr11-108365081-G-C. GRCh37 (hg19) VCF-style: chr11-108235808-G-C.
Other names: c.8851-1G>C (NM_001351834.2); c.640+20839C>G (NM_001330368.2); c.694+20839C>G (NM_001351110.2).
Identifiers: ClinVar variation 1361736 (VCV001361736.8), dbSNP rs1057516537, ClinGen allele CA382529521.

ClinVar aggregate classification (germline): Conflicting classifications of pathogenicity. Review status: criteria provided, conflicting classifications (1 of 4 stars). 2 submissions from 2 submitters: Likely pathogenic (1); Uncertain significance (1). Last evaluated 2024-02-06.

Conditions:
Familial cancer of breast. Also called: BREAST CANCER, FAMILIAL; Hereditary breast cancer; hereditary breast carcinoma. Identifiers: Orphanet 227535, MedGen C0346153, MONDO:0016419, OMIM 114480. Disease mechanism: loss of function.
Ataxia-telangiectasia syndrome (AT). Also called: Ataxia-telangiectasia; LOUIS-BAR SYNDROME; Ataxia-telangiectasia, complementation group D; AT, COMPLEMENTATION GROUP C; ATAXIA-TELANGIECTASIA, COMPLEMENTATION GROUP A; ATAXIA-TELANGIECTASIA, FRESNO VARIANT. Identifiers: Orphanet 100, MedGen C0004135, MONDO:0008840, OMIM 208900.

Submissions (2):

Myriad Genetics, Inc.
Classification: Likely pathogenic for Familial cancer of breast. Last evaluated: 2024-02-06. Review status: criteria provided, single submitter. Criteria: Myriad Autosomal Dominant, Autosomal Recessive and X-Linked Classification Criteria (2023). Collection method: clinical testing. Allele origin: unknown.
Comment: This variant is considered likely pathogenic. This variant occurs within a consensus splice junction and is predicted to result in abnormal mRNA splicing of either an out-of-frame exon or an in-frame exon necessary for protein stability and/or normal function.

Labcorp Genetics (formerly Invitae), Labcorp
Classification: Uncertain significance for Ataxia-telangiectasia syndrome. Last evaluated: 2021-06-16. Review status: criteria provided, single submitter. Criteria: Invitae Variant Classification Sherloc (09022015). Collection method: clinical testing. Allele origin: germline.
Comment: Disruption of this splice site has been observed in individual(s) with clinical features of ataxia telangiectasia in combination with another pathogenic variant in the ATM gene and/or breast cancer (PMID: 23632773, 19781682, 21787400). In at least one individual the data is consistent with the variant being in trans (on the opposite chromosome) from a pathogenic variant. This variant is not present in population databases (ExAC no frequency). This sequence change affects an acceptor splice site in intron 61 of the ATM gene. RNA analysis indicates that this variant induces altered splicing and likely results in the loss of 21 amino acid residue(s), but is expected to preserve the integrity of the reading-frame. Studies have shown that disruption of this splice site is associated with the activation of a cryptic splice site in exon 62 (PMID: 23632773). This exon is also known as exon 63 in the literature. Studies have shown that disruption of this splice site alters ATM gene expression (PMID: 23632773). In summary, the available evidence is currently insufficient to determine the role of this variant in disease. Therefore, it has been classified as a Variant of Uncertain Significance.

Literature cited by the submitters: PubMed 23632773 (cited by Labcorp Genetics (formerly Invitae), Labcorp); PubMed 19781682 (cited by Labcorp Genetics (formerly Invitae), Labcorp); PubMed 21787400 (cited by Labcorp Genetics (formerly Invitae), Labcorp).